The following is an entry in ClinVar:

ClinVar aggregate classification (germline): Uncertain significance (1 of 4 stars; one submission).

Allele frequency attached by ClinVar (database versions not stated): gnomAD exomes 0.00001; ExAC 0.00003.
gnomAD v4.1: 4 of 1,613,746 alleles (0.00025%); highest among the groups gnomAD compares: Admixed American, 0.0067%; no homozygotes.

Submission:

GeneDx
Classification: Uncertain significance. Last evaluated: 2022-12-08. Review status: criteria provided, single submitter. Criteria: GeneDx Variant Classification Process June 2021. Collection method: clinical testing. Allele origin: germline. Affected: yes.
Comment: In silico analysis supports that this missense variant does not alter protein structure/function; Has not been previously published as pathogenic or benign to our knowledge

NM_017757.3(ZNF407):c.3427T>C (p.Cys1143Arg)

Genes: ZNF407 (zinc finger protein 407; plus strand), LOC126862798 (MED14-independent group 3 enhancer GRCh37_chr18:72345358-72346557; plus strand). Cytogenetic location: 18q22.3.
Variant type: single nucleotide variant.
Coding change: c.3427T>C on transcript NM_017757.3 (MANE Select); coding-DNA position 3427, T replaced by C.
Protein change: p.Cys1143Arg; replaces cysteine 1143 with arginine.
Molecular consequence: missense variant.
Genome position (GRCh38, 1-based): chr18:74,634,446, T>C. VCF-style: chr18-74634446-T-C. GRCh37 (hg19) VCF-style: chr18-72346402-T-C.
Other names: c.3427T>C, p.Cys1143Arg (NM_001146189.1, NM_001146190.1, NM_001384475.1); short protein forms C1143R.
Identifiers: ClinVar variation 2504816 (VCV002504816.1), dbSNP rs757287095, ClinGen allele CA9000682.